The following is an entry in ClinVar:

ClinVar aggregate classification (germline): Uncertain significance (1 of 4 stars; one submission).

Conditions:
FLNA-Related Otopalatodigital Spectrum Disorders. Identifiers: MedGen CN381094.

Submissions (4):

Illumina Laboratory Services, Illumina
Classification: Uncertain significance for FLNA-related otopalatodigital spectrum disorders. Last evaluated: 2019-09-04. Review status: criteria provided, single submitter. Criteria: ICSLVariantClassificationCriteria RUGD 01 April 2020. Collection method: clinical testing. Allele origin: unknown.
Comment: The FLNA c.695C>T (p.Ala232Val) variant is a missense variant. A literature search was performed for the gene, cDNA change, and amino acid change. No publications were found based on this search. This variant is not reported in the Genome Aggregation Database despite good sequence coverage, so the variant is presumed to be rare. The p.Ala232Val variant is located in the actin-binding and calponin homology 2 domain, which is important for correct functioning of filamin A (Clark et. al 2009). Based on the limited evidence, the p.Ala232Val variant is classified as a variant of unknown significance for FLNA-related otopalatodigital spectrum disorders.

Dr. Peter K. Rogan Lab, Western University
No classification provided (evidence only). Condition: Thyroid cancer, nonmedullary, 1. Review status: no classification provided. Collection method: in vitro. Allele origin: not applicable. Functional consequence: retained intron. Not counted in ClinVar's aggregate classification.

Dr. Peter K. Rogan Lab, Western University
No classification provided (evidence only). Condition: Thyroid cancer, nonmedullary, 1. Review status: no classification provided. Collection method: in vitro. Allele origin: not applicable. Functional consequence: retained intron. Not counted in ClinVar's aggregate classification.

Dr. Peter K. Rogan Lab, Western University
No classification provided (evidence only). Condition: Thyroid cancer, nonmedullary, 1. Review status: no classification provided. Collection method: in vitro. Allele origin: not applicable. Functional consequence: retained intron. Not counted in ClinVar's aggregate classification.

Literature cited by the submitters: PubMed 19773341 (cited by Illumina Laboratory Services, Illumina).

NM_001110556.2(FLNA):c.695C>T (p.Ala232Val)

Gene: FLNA (filamin A; minus strand). Cytogenetic location: Xq28.
Variant type: single nucleotide variant.
Coding change: c.695C>T on transcript NM_001110556.2 (MANE Select); coding-DNA position 695, C replaced by T.
Protein change: p.Ala232Val; replaces alanine 232 with valine.
Molecular consequence: missense variant.
Genome position (GRCh38, 1-based): chrX:154,367,666, G>A on the plus strand (C>T on the coding strand, the complement: FLNA is on the minus strand). VCF-style: chrX-154367666-G-A. GRCh37 (hg19) VCF-style: chrX-153596034-G-A.
Other names: NC_000023.10:g.153596034G>A; c.695C>T, p.Ala232Val (NM_001456.4); short protein forms A232V.
Identifiers: ClinVar variation 973282 (VCV000973282.5), dbSNP rs2067772758, ClinGen allele CA415248785.